The following is an entry in ClinVar:

ClinVar aggregate classification (germline): Likely benign (0 of 4 stars; one submission).

Conditions:
LAMC3-related disorder. Also called: LAMC3-related condition.

gnomAD v4.1: 3 of 1,594,494 alleles (0.00019%); highest among the groups gnomAD compares: Middle Eastern, 0.034%; no homozygotes.

Submission:

PreventionGenetics, part of Exact Sciences
Classification: Likely benign for LAMC3-related condition. Last evaluated: 2024-04-23. Review status: no assertion criteria provided. Collection method: clinical testing. Allele origin: germline.
Comment: This variant is classified as likely benign based on ACMG/AMP sequence variant interpretation guidelines (Richards et al. 2015 PMID: 25741868, with internal and published modifications).

NM_006059.4(LAMC3):c.3036A>G (p.Gln1012=)

Gene: LAMC3 (laminin subunit gamma 3; plus strand). Cytogenetic location: 9q34.12.
Variant type: single nucleotide variant.
Coding change: c.3036A>G on transcript NM_006059.4 (MANE Select); coding-DNA position 3036, A replaced by G.
Protein change: p.Gln1012=; no amino-acid change (glutamine 1012 retained).
Molecular consequence: synonymous variant.
Genome position (GRCh38, 1-based): chr9:131,069,817, A>G. VCF-style: chr9-131069817-A-G. GRCh37 (hg19) VCF-style: chr9-133945204-A-G.
Identifiers: ClinVar variation 3353395 (VCV003353395.1).